The following is an entry in ClinVar:

ClinVar aggregate classification (germline): Uncertain significance. Review status: criteria provided, multiple submitters, no conflicts (2 of 4 stars). 2 submissions from 2 submitters: Uncertain significance (2). Last evaluated 2025-04-24.

Conditions:
Autosomal dominant epilepsy with auditory features. Identifiers: Orphanet 101046, MedGen C1838062, MONDO:0010898.

Submissions (2):

Labcorp Genetics (formerly Invitae), Labcorp
Classification: Uncertain significance for Autosomal dominant epilepsy with auditory features. Last evaluated: 2025-04-24. Review status: criteria provided, single submitter. Criteria: Invitae Variant Classification Sherloc (09022015). Collection method: clinical testing. Allele origin: germline.
Comment: This sequence change replaces isoleucine, which is neutral and non-polar, with threonine, which is neutral and polar, at codon 19 of the LGI1 protein (p.Ile19Thr). This variant is not present in population databases (gnomAD no frequency). This variant has not been reported in the literature in individuals affected with LGI1-related conditions. ClinVar contains an entry for this variant (Variation ID: 3337248). An algorithm developed to predict the effect of missense changes on protein structure and function (PolyPhen-2) suggests that this variant is likely to be tolerated. In summary, the available evidence is currently insufficient to determine the role of this variant in disease. Therefore, it has been classified as a Variant of Uncertain Significance.

Clinical Genetics Laboratory, Skane University Hospital Lund
Classification: Uncertain significance. Last evaluated: 2022-07-11. Review status: criteria provided, single submitter. Criteria: ACMG Guidelines, 2015. Collection method: clinical testing. Allele origin: germline. Affected: yes.

NM_005097.4(LGI1):c.56T>C (p.Ile19Thr)

Gene: LGI1 (leucine rich glioma inactivated 1; plus strand). Cytogenetic location: 10q23.33.
Variant type: single nucleotide variant.
Coding change: c.56T>C on transcript NM_005097.4 (MANE Select); coding-DNA position 56, T replaced by C.
Protein change: p.Ile19Thr; replaces isoleucine 19 with threonine.
Molecular consequence: missense variant. On other transcripts: non-coding transcript variant (1).
Genome position (GRCh38, 1-based): chr10:93,758,200, T>C. VCF-style: chr10-93758200-T-C. GRCh37 (hg19) VCF-style: chr10-95517957-T-C.
Other names: c.56T>C, p.Ile19Thr (NM_001308275.2, NM_001308276.2); short protein forms I19T.
Identifiers: ClinVar variation 3337248 (VCV003337248.3).